The following is an entry in ClinVar:

NM_022042.4(SLC26A1):c.1990G>A (p.Gly664Arg)

Genes: SLC26A1 (solute carrier family 26 member 1; minus strand), IDUA (alpha-L-iduronidase; plus strand). Cytogenetic location: 4p16.3.
Variant type: single nucleotide variant.
Coding change: c.1990G>A on transcript NM_022042.4 (MANE Select); coding-DNA position 1990, G replaced by A.
Protein change: p.Gly664Arg; replaces glycine 664 with arginine.
Molecular consequence: missense variant. On other transcripts: intron variant (2).
Genome position (GRCh38, 1-based): chr4:988,949, C>T on the plus strand (G>A on the coding strand, the complement: SLC26A1 is on the minus strand). VCF-style: chr4-988949-C-T. GRCh37 (hg19) VCF-style: chr4-982737-C-T.
Other names: c.1990G>A, p.Gly664Arg (NM_213613.4); c.576+2179G>A (NM_134425.4); c.299+1000C>T (NM_000203.5); short protein forms G664R.
Identifiers: ClinVar variation 2912435 (VCV002912435.3), dbSNP rs148885765, ClinGen allele CA2801205.

ClinVar aggregate classification (germline): Uncertain significance (1 of 4 stars; one submission).

Allele frequency attached by ClinVar (database versions not stated): gnomAD 0.00003; ESP Exome Variant Server 0.00008; 1000 Genomes Project 30x 0.00016; 1000 Genomes Project 0.00020; ExAC 0.00031.
gnomAD v4.1: 87 of 1,596,134 alleles (0.0055%); highest among the groups gnomAD compares: South Asian, 0.073%; 1 homozygote.

Submission:

Labcorp Genetics (formerly Invitae), Labcorp
Classification: Uncertain significance. Last evaluated: 2024-06-13. Review status: criteria provided, single submitter. Criteria: Invitae Variant Classification Sherloc (09022015). Collection method: clinical testing. Allele origin: germline.
Comment: This sequence change replaces glycine, which is neutral and non-polar, with arginine, which is basic and polar, at codon 664 of the SLC26A1 protein (p.Gly664Arg). This variant is present in population databases (rs148885765, gnomAD 0.06%), and has an allele count higher than expected for a pathogenic variant. This variant has not been reported in the literature in individuals affected with SLC26A1-related conditions. Advanced modeling of protein sequence and biophysical properties (such as structural, functional, and spatial information, amino acid conservation, physicochemical variation, residue mobility, and thermodynamic stability) performed at Invitae indicates that this missense variant is not expected to disrupt SLC26A1 protein function with a negative predictive value of 80%. In summary, the available evidence is currently insufficient to determine the role of this variant in disease. Therefore, it has been classified as a Variant of Uncertain Significance.